The following is an entry in ClinVar:

ClinVar aggregate classification (germline): Benign. Review status: criteria provided, multiple submitters, no conflicts (2 of 4 stars). 7 submissions from 5 submitters: Benign (7). Last evaluated 2026-02-04.

Conditions:
Autosomal recessive nonsyndromic hearing loss 66 (DFNB66). Also called: Deafness, autosomal recessive 66. Identifiers: Orphanet 90636, MedGen C1857750, MONDO:0012442, OMIM 610212.
Isolated neonatal sclerosing cholangitis (NSC). Also called: Sclerosing cholangitis, neonatal. Identifiers: Orphanet 480556, MedGen C4479344, MONDO:0018816, OMIM 617394.
Nephronophthisis 19 (NPHP19). Identifiers: Orphanet 84081, MedGen C4015542, MONDO:0014537, OMIM 616217.

Allele frequency attached by ClinVar (database versions not stated): ESP Exome Variant Server 0.48247; TOPMed 0.49606; 1000 Genomes Project 30x 0.50468; gnomAD 0.51051 and 0.52330; 1000 Genomes Project 0.51697; ExAC 0.63927; gnomAD exomes 0.65355.
gnomAD v4.1: 1,035,539 of 1,613,216 alleles (64%); highest among the groups gnomAD compares: East Asian, 79%; 344,434 homozygotes.

Submissions (7):

Labcorp Genetics (formerly Invitae), Labcorp
Classification: Benign for Autosomal recessive nonsyndromic hearing loss 66; Isolated neonatal sclerosing cholangitis. Last evaluated: 2026-02-04. Review status: criteria provided, single submitter. Criteria: Invitae Variant Classification Sherloc (09022015). Collection method: clinical testing. Allele origin: germline.

Blueprint Genetics
Classification: Benign. Last evaluated: 2024-11-27. Review status: criteria provided, single submitter. Criteria: ACMG Guidelines, 2015. Collection method: clinical testing. Allele origin: germline.

Mayo Clinic Laboratories, Mayo Clinic
Classification: Benign. Last evaluated: 2022-09-30. Review status: criteria provided, single submitter. Criteria: ACMG Guidelines, 2015. Collection method: clinical testing. Allele origin: germline. Observed: 677 variant alleles.
Comment: BA1

Genome-Nilou Lab
Classification: Benign for Autosomal recessive nonsyndromic hearing loss 66. Last evaluated: 2021-07-30. Review status: criteria provided, single submitter. Criteria: ACMG Guidelines, 2015. Collection method: clinical testing. Allele origin: germline. Affected: no.

Genome-Nilou Lab
Classification: Benign for Nephronophthisis 19. Last evaluated: 2021-07-30. Review status: criteria provided, single submitter. Criteria: ACMG Guidelines, 2015. Collection method: clinical testing. Allele origin: germline. Affected: no.

Genome-Nilou Lab
Classification: Benign for Isolated neonatal sclerosing cholangitis. Last evaluated: 2021-07-30. Review status: criteria provided, single submitter. Criteria: ACMG Guidelines, 2015. Collection method: clinical testing. Allele origin: germline. Affected: no.

GeneDx
Classification: Benign. Last evaluated: 2017-06-13. Review status: criteria provided, single submitter. Criteria: GeneDx Variant Classification (06012015). Collection method: clinical testing. Allele origin: germline. Affected: yes.
Comment: This variant is considered likely benign or benign based on one or more of the following criteria: it is a conservative change, it occurs at a poorly conserved position in the protein, it is predicted to be benign by multiple in silico algorithms, and/or has population frequency not consistent with disease.

NM_016356.5(DCDC2):c.661A>G (p.Ser221Gly)

Gene: DCDC2 (doublecortin domain containing 2; minus strand). Cytogenetic location: 6p22.3.
Variant type: single nucleotide variant.
Coding change: c.661A>G on transcript NM_016356.5 (MANE Select); coding-DNA position 661, A replaced by G.
Protein change: p.Ser221Gly; replaces serine 221 with glycine.
Molecular consequence: missense variant.
Genome position (GRCh38, 1-based): chr6:24,290,975, T>C on the plus strand (A>G on the coding strand, the complement: DCDC2 is on the minus strand). VCF-style: chr6-24290975-T-C. GRCh37 (hg19) VCF-style: chr6-24291203-T-C.
Other names: p.Ser221Gly; c.661A>G, p.Ser221Gly (NM_001195610.2); short protein forms S221G.
Identifiers: ClinVar variation 516888 (VCV000516888.15), dbSNP rs2274305, ClinGen allele CA3654698.